The following is an entry in ClinVar:

NM_170784.3(MKKS):c.1595G>T (p.Gly532Val)

Gene: MKKS (MKKS centrosomal shuttling protein; minus strand). Cytogenetic location: 20p12.2.
Variant type: single nucleotide variant.
Coding change: c.1595G>T on transcript NM_170784.3 (MANE Select); coding-DNA position 1595, G replaced by T.
Protein change: p.Gly532Val; replaces glycine 532 with valine.
Molecular consequence: missense variant. On other transcripts: non-coding transcript variant (1).
Genome position (GRCh38, 1-based): chr20:10,405,365, C>A on the plus strand (G>T on the coding strand, the complement: MKKS is on the minus strand). VCF-style: chr20-10405365-C-A. GRCh37 (hg19) VCF-style: chr20-10386013-C-A.
Other names: c.1595G>T, p.Gly532Val (NM_018848.3); short protein forms G532V.
Identifiers: ClinVar variation 95923 (VCV000095923.27), dbSNP rs1545, ClinGen allele CA149046.

ClinVar aggregate classification (germline): Benign/Likely benign. Review status: criteria provided, multiple submitters, no conflicts (2 of 4 stars). 14 submissions from 13 submitters: Benign (9); Likely benign (2). 3 of the submissions do not count toward it. Last evaluated 2026-02-04.

Conditions:
Bardet-Biedl syndrome (BBS). Identifiers: Orphanet 110, MedGen C0752166, MONDO:0015229.
McKusick-Kaufman syndrome (MKKS). Also called: HYDROMETROCOLPOS SYNDROME; HYDROMETROCOLPOS, POSTAXIAL POLYDACTYLY, AND CONGENITAL HEART MALFORMATION. Identifiers: Orphanet 2473, MedGen C0948368, MONDO:0009367, OMIM 236700.
Bardet-Biedl syndrome 6 (BBS6). Identifiers: Orphanet 110, MedGen C1858054, MONDO:0011523, OMIM 605231.
Early onset severe obesity. Identifiers: MedGen C4013980.

Allele frequency attached by ClinVar (database versions not stated): gnomAD 0.14147 and 0.14562; TOPMed 0.14454; 1000 Genomes Project 30x 0.19066; 1000 Genomes Project 0.19269; ESP Exome Variant Server 0.13217; gnomAD exomes 0.14029 and 0.12390; ExAC 0.14372.
gnomAD v4.1: 203,759 of 1,613,980 alleles (13%); highest among the groups gnomAD compares: East Asian, 24%; 14,382 homozygotes.

Submissions (14):

Labcorp Genetics (formerly Invitae), Labcorp
Classification: Benign for McKusick-Kaufman syndrome; Bardet-Biedl syndrome. Last evaluated: 2026-02-04. Review status: criteria provided, single submitter. Criteria: Invitae Variant Classification Sherloc (09022015). Collection method: clinical testing. Allele origin: germline.

Blueprint Genetics
Classification: Benign. Last evaluated: 2024-11-28. Review status: criteria provided, single submitter. Criteria: ACMG Guidelines, 2015. Collection method: clinical testing. Allele origin: germline.

Mayo Clinic Laboratories, Mayo Clinic
Classification: Benign. Last evaluated: 2023-09-27. Review status: criteria provided, single submitter. Criteria: ACMG Guidelines, 2015. Collection method: clinical testing. Allele origin: germline. Observed: 18 variant alleles.
Comment: BA1, BS2, BP4

Cambridge Genomics Laboratory, East Genomic Laboratory Hub, NHS Genomic Medicine Service
Classification: Benign for Severe early-onset obesity. Last evaluated: 2023-08-09. Review status: criteria provided, single submitter. Criteria: ACGS Best Practice Guidelines for Variant Classification in Rare Disease 2020. Collection method: clinical testing. Allele origin: germline. Affected: yes.
Comment: The variant is observed in one or more well-documented healthy adults. (BS2 - Strong) | The p.(Gly532Val) variant is observed in 7.570/30.612 (24.7289%) alleles from individuals of gnomAD South Asian background in gnomAD All. The p.(Gly532Val) variant is observed in 965/5.008 (19.2692%) alleles from individuals of 1kG All background in 1kG All. The p.(Gly532Val) variant is observed in 1.250/5.180 (24.1313%) alleles from individuals of gnomAD Genomes v3 East Asian background in gnomAD Genomes v3, indicating it is a common benign variant. (BA1 - Standalone) | The p.(Gly532Val) variant is not predicted to introduce a novel splice site by any splice site algorithm. The p.(Gly532Val) missense variant is predicted to be tolerated by both SIFT or PolyPhen2. The nucleotide c.1595 in MKKS is not conserved according to a GERP++ and PhyloP analysis of 100 vertebrates. (BP4 - Supporting)

Women's Health and Genetics/Laboratory Corporation of America, LabCorp
Classification: Likely benign. Last evaluated: 2021-12-03. Review status: criteria provided, single submitter. Criteria: LabCorp Variant Classification Summary - May 2015. Collection method: clinical testing. Allele origin: germline.

GeneDx
Classification: Benign. Last evaluated: 2019-07-17. Review status: criteria provided, single submitter. Criteria: GeneDx Variant Classification Process June 2021. Collection method: clinical testing. Allele origin: germline. Affected: yes.
Comment: This variant is associated with the following publications: (PMID: 24400638, 20498079, 18813213)

Illumina Laboratory Services, Illumina
Classification: Benign for McKusick-Kaufman syndrome. Last evaluated: 2018-01-13. Review status: criteria provided, single submitter. Criteria: ICSL Variant Classification Criteria 13 December 2019. Collection method: clinical testing. Allele origin: germline.
Comment: This variant was observed in the ICSL laboratory as part of a predisposition screen in an ostensibly healthy population. It had not been previously curated by ICSL or reported in the Human Gene Mutation Database (HGMD: prior to June 1st, 2018), and was therefore a candidate for classification through an automated scoring system. Utilizing variant allele frequency, disease prevalence and penetrance estimates, and inheritance mode, an automated score was calculated to assess if this variant is too frequent to cause the disease. Based on the score and internal cut-off values, a variant classified as benign is not then subjected to further curation. The score for this variant resulted in a classification of benign for this disease.

Illumina Laboratory Services, Illumina
Classification: Benign for Bardet-Biedl syndrome 6. Last evaluated: 2018-01-13. Review status: criteria provided, single submitter. Criteria: ICSL Variant Classification Criteria 13 December 2019. Collection method: clinical testing. Allele origin: germline.
Comment: the same text as in the submission from Illumina Laboratory Services, Illumina above.

Eurofins Ntd Llc (ga)
Classification: Benign. Last evaluated: 2013-09-10. Review status: criteria provided, single submitter. Criteria: EGL Classification Definitions 2015. Collection method: clinical testing. Allele origin: germline. Observed: 1 variant allele, 1 heterozygote.

Breakthrough Genomics
Classification: Likely benign. Review status: criteria provided, single submitter. Criteria: ACMG Guidelines, 2015. Collection method: not provided. Allele origin: germline. Inheritance: Autosomal recessive inheritance. Affected: yes.

PreventionGenetics, part of Exact Sciences
Classification: Benign. Review status: criteria provided, single submitter. Criteria: ACMG Guidelines, 2015. Collection method: clinical testing. Allele origin: germline.

Clinical Genetics DNA and cytogenetics Diagnostics Lab, Erasmus MC, Erasmus Medical Center
Classification: Benign. Review status: no assertion criteria provided. Collection method: clinical testing. Allele origin: germline. Affected: yes. Study: VKGL Data-share Consensus. Not counted in ClinVar's aggregate classification.

Genome Diagnostics Laboratory, University Medical Center Utrecht
Classification: Benign. Review status: no assertion criteria provided. Collection method: clinical testing. Allele origin: germline. Affected: yes. Study: VKGL Data-share Consensus. Not counted in ClinVar's aggregate classification.

Joint Genome Diagnostic Labs from Nijmegen and Maastricht, Radboudumc and MUMC+
Classification: Benign. Review status: no assertion criteria provided. Collection method: clinical testing. Allele origin: germline. Affected: yes. Study: VKGL Data-share Consensus. Not counted in ClinVar's aggregate classification.

Literature cited by the submitters: PubMed 18813213 (cited by Mayo Clinic Laboratories, Mayo Clinic); PubMed 20498079 (cited by Mayo Clinic Laboratories, Mayo Clinic); PubMed 24400638 (cited by Mayo Clinic Laboratories, Mayo Clinic).